The following is an entry in ClinVar:

NM_001244008.2(KIF1A):c.3466-3C>T

Gene: KIF1A (kinesin family member 1A; minus strand). Cytogenetic location: 2q37.3.
Variant type: single nucleotide variant.
Coding change: c.3466-3C>T on transcript NM_001244008.2 (MANE Select); 3 bases into the intron before coding-DNA position 3466, C replaced by T.
Molecular consequence: intron variant.
Genome position (GRCh38, 1-based): chr2:240,744,063, G>A on the plus strand (C>T on the coding strand, the complement: KIF1A is on the minus strand). VCF-style: chr2-240744063-G-A. GRCh37 (hg19) VCF-style: chr2-241683480-G-A.
Other names: c.3163-3C>T (NM_001379653.1, NM_001379650.1, NM_001379641.1 and 5 more transcripts); c.3439-3C>T (NM_001379645.1, NM_001379633.1, NM_001379642.1); c.3265-3C>T (NM_001379635.1, NM_001330290.2, NM_001379646.1 and 1 more transcripts); c.3160-3C>T (NM_001379640.1); c.3415-3C>T (NM_001379632.1); c.3238-3C>T (NM_001379637.1, NM_001379648.1); c.3190-3C>T (NM_001320705.2, NM_001379638.1, NM_001330289.2); c.3541-3C>T (NM_001379631.1).
Identifiers: ClinVar variation 3748483 (VCV003748483.2).

ClinVar aggregate classification (germline): Uncertain significance (1 of 4 stars; one submission).

Conditions:
Neuropathy, hereditary sensory, type 2C. Also called: KIF1A-Related HSAN2 (HSAN2C); Hereditary sensory and autonomic neuropathy type IIC. Identifiers: Orphanet 970, MedGen C3280168, MONDO:0013634, OMIM 614213.
Hereditary spastic paraplegia 30. Identifiers: Orphanet 101010, MedGen C5235139, MONDO:0012476.
Intellectual disability, autosomal dominant 9 (NESCAVS). Also called: KIF1A-Related Neurodevelopmental Disorder; NESCAV SYNDROME. Identifiers: Orphanet 662367, MedGen C5393830, MONDO:0013656, OMIM 614255.

Submission:

Labcorp Genetics (formerly Invitae), Labcorp
Classification: Uncertain significance for Hereditary spastic paraplegia 30; Neuropathy, hereditary sensory, type 2C; Intellectual disability, autosomal dominant 9. Last evaluated: 2025-02-12. Review status: criteria provided, single submitter. Criteria: Invitae Variant Classification Sherloc (09022015). Collection method: clinical testing. Allele origin: germline.
Comment: This sequence change falls in intron 29 of the KIF1A gene. It does not directly change the encoded amino acid sequence of the KIF1A protein. It affects a nucleotide within the consensus splice site. This variant is not present in population databases (gnomAD no frequency). This variant has not been reported in the literature in individuals affected with KIF1A-related conditions. Variants that disrupt the consensus splice site are a relatively common cause of aberrant splicing (PMID: 17576681, 9536098). Algorithms developed to predict the effect of sequence changes on RNA splicing suggest that this variant is not likely to affect RNA splicing. In summary, the available evidence is currently insufficient to determine the role of this variant in disease. Therefore, it has been classified as a Variant of Uncertain Significance.

Literature cited by the submitters: PubMed 17576681; PubMed 9536098.